The following is an entry in ClinVar:

NM_024740.2(ALG9):c.1765C>G (p.Pro589Ala)

Gene: ALG9 (ALG9 alpha-1,2-mannosyltransferase; minus strand). Cytogenetic location: 11q23.1.
Variant type: single nucleotide variant.
Coding change: c.1765C>G on transcript NM_024740.2 (MANE Select); coding-DNA position 1765, C replaced by G.
Protein change: p.Pro589Ala; replaces proline 589 with alanine.
Molecular consequence: missense variant. On other transcripts: 3 prime UTR variant (2), non-coding transcript variant (1).
Genome position (GRCh38, 1-based): chr11:111,786,489, G>C on the plus strand (C>G on the coding strand, the complement: ALG9 is on the minus strand). VCF-style: chr11-111786489-G-C. GRCh37 (hg19) VCF-style: chr11-111657213-G-C.
Other names: c.1744C>G, p.Pro582Ala (NM_001077690.1, NM_001352417.1); c.1252C>G, p.Pro418Ala (NM_001077691.2, NM_001352413.1, NM_001352414.2 and 1 more transcripts); c.1231C>G, p.Pro411Ala (NM_001077692.2, NM_001352409.1, NM_001352410.1 and 4 more transcripts); c.1621C>G, p.Pro541Ala (NM_001352418.1); c.*37C>G (NM_001352420.2); c.*31C>G (NM_001352421.2); c.1156C>G, p.Pro386Ala (NM_001352422.2); c.1108C>G, p.Pro370Ala (NM_001352423.2); short protein forms P418A, P541A, P386A, P370A, P411A, P582A, P589A.
Identifiers: ClinVar variation 2106604 (VCV002106604.4), dbSNP rs782159641, ClinGen allele CA382607489.
Genomic context (GRCh38, chr11:111,786,489, plus strand): 5'-CTTTCCGGGGTTTGAGGATGGTGTAGTTTACGTACACTGTATACTGATCTGACAGGAAGG[G>C]GACATAGAATGCCCGCAGCAGCTTTGAAGATCTGAAAAACAAGGGATAAAAAAAAGAATT-3'
Protein context (NP_079016.2, residues 579-599): SSKLLRAFYV[Pro589Ala]FLSDQYTVYV

ClinVar aggregate classification (germline): Uncertain significance (1 of 4 stars; one submission).

Conditions:
ALG9 congenital disorder of glycosylation (CDG1L). Also called: CONGENITAL DISORDER OF GLYCOSYLATION, TYPE Il; ALG9-CDG; CDG Il. Identifiers: Orphanet 79328, MedGen C2931006, MONDO:0012117, OMIM 608776.

Submission:

Labcorp Genetics (formerly Invitae), Labcorp
Classification: Uncertain significance for ALG9 congenital disorder of glycosylation. Last evaluated: 2022-04-18. Review status: criteria provided, single submitter. Criteria: Invitae Variant Classification Sherloc (09022015). Collection method: clinical testing. Allele origin: germline.
Comment: This sequence change replaces proline, which is neutral and non-polar, with alanine, which is neutral and non-polar, at codon 589 of the ALG9 protein (p.Pro589Ala). This variant is not present in population databases (gnomAD no frequency). This variant has not been reported in the literature in individuals affected with ALG9-related conditions. Algorithms developed to predict the effect of sequence changes on RNA splicing suggest that this variant may create or strengthen a splice site. In summary, the available evidence is currently insufficient to determine the role of this variant in disease. Therefore, it has been classified as a Variant of Uncertain Significance.